The following is an entry in ClinVar:

ClinVar aggregate classification (germline): Uncertain significance (1 of 4 stars; one submission).

Submission:

Labcorp Genetics (formerly Invitae), Labcorp
Classification: Uncertain significance. Last evaluated: 2023-10-08. Review status: criteria provided, single submitter. Criteria: Invitae Variant Classification Sherloc (09022015). Collection method: clinical testing. Allele origin: germline.
Comment: This sequence change replaces proline, which is neutral and non-polar, with threonine, which is neutral and polar, at codon 7 of the TNFRSF6B protein (p.Pro7Thr). This variant is not present in population databases (gnomAD no frequency). This variant has not been reported in the literature in individuals affected with TNFRSF6B-related conditions. Algorithms developed to predict the effect of missense changes on protein structure and function output the following: SIFT: "Not Available"; PolyPhen-2: "Not Available"; Align-GVGD: "Not Available". The threonine amino acid residue is found in multiple mammalian species, which suggests that this missense change does not adversely affect protein function. In summary, the available evidence is currently insufficient to determine the role of this variant in disease. Therefore, it has been classified as a Variant of Uncertain Significance.

NM_003823.4(TNFRSF6B):c.19C>A (p.Pro7Thr)

Genes: TNFRSF6B (TNF receptor superfamily member 6b; plus strand), RTEL1-TNFRSF6B (RTEL1-TNFRSF6B readthrough (NMD candidate); plus strand). Cytogenetic location: 20q13.33.
Variant type: single nucleotide variant.
Coding change: c.19C>A on transcript NM_003823.4 (MANE Select); coding-DNA position 19, C replaced by A.
Protein change: p.Pro7Thr; replaces proline 7 with threonine.
Molecular consequence: missense variant. On other transcripts: non-coding transcript variant (1).
Genome position (GRCh38, 1-based): chr20:63,696,786, C>A. VCF-style: chr20-63696786-C-A. GRCh37 (hg19) VCF-style: chr20-62328139-C-A.
Other names: short protein forms P7T.
Identifiers: ClinVar variation 2804539 (VCV002804539.3), dbSNP rs2090990466, ClinGen allele CA409710623.